The following is an entry in ClinVar:

ClinVar aggregate classification (germline): Likely benign (1 of 4 stars; one submission).

Allele frequency attached by ClinVar (database versions not stated): gnomAD 0.00001; ExAC 0.00010.

Submission:

CeGaT Center for Human Genetics Tuebingen
Classification: Likely benign. Last evaluated: 2022-05-01. Review status: criteria provided, single submitter. Criteria: CeGaT Center For Human Genetics Tuebingen Variant Classification Criteria Version 2. Collection method: clinical testing. Allele origin: germline. Affected: yes. Observed: 1 variant allele.
Comment: FCGBP: BP4, BP7

NM_003890.3(FCGBP):c.15702C>T (p.Leu5234=)

Genes: FCGBP (Fc gamma binding protein; minus strand), LOC126862906 (MED14-independent group 3 enhancer GRCh37_chr19:40357069-40358268; plus strand). Cytogenetic location: 19q13.2.
Variant type: single nucleotide variant.
Coding change: c.15702C>T on transcript NM_003890.3 (MANE Select); coding-DNA position 15702, C replaced by T.
Protein change: p.Leu5234=; no amino-acid change (leucine 5234 retained).
Molecular consequence: synonymous variant.
Genome position (GRCh38, 1-based): chr19:39,866,971, G>A on the plus strand (C>T on the coding strand, the complement: FCGBP is on the minus strand). VCF-style: chr19-39866971-G-A. GRCh37 (hg19) VCF-style: chr19-40357611-G-A.
Identifiers: ClinVar variation 2649839 (VCV002649839.24), dbSNP rs767623890, ClinGen allele CA9434972.